The following is an entry in ClinVar:

ClinVar aggregate classification (germline): Likely benign. Review status: criteria provided, multiple submitters, no conflicts (2 of 4 stars). 3 submissions from 3 submitters: Likely benign (2). 1 of the submissions does not count toward it. Last evaluated 2026-03-01.

Conditions:
TUBGCP2-related disorder. Also called: TUBGCP2-related condition.

Allele frequency attached by ClinVar (database versions not stated): 1000 Genomes Project 0.00100; 1000 Genomes Project 30x 0.00125; TOPMed 0.00191; gnomAD 0.00251 and 0.00256; ESP Exome Variant Server 0.00277; ExAC 0.00303.
gnomAD v4.1: 5,159 of 1,612,994 alleles (0.32%); highest among the groups gnomAD compares: Non-Finnish European, 0.38%; 17 homozygotes.

Submissions (3):

CeGaT Center for Human Genetics Tuebingen
Classification: Likely benign. Last evaluated: 2026-03-01. Review status: criteria provided, single submitter. Criteria: CeGaT Center For Human Genetics Tuebingen Variant Classification Criteria Version 2. Collection method: clinical testing. Allele origin: germline. Affected: yes. Observed: 22 variant alleles.
Comment: TUBGCP2: BP4, BP7, BS2

Breakthrough Genomics
Classification: Likely benign. Review status: criteria provided, single submitter. Criteria: ACMG Guidelines, 2015. Collection method: not provided. Allele origin: germline. Inheritance: Autosomal recessive inheritance. Affected: yes.

PreventionGenetics, part of Exact Sciences
Classification: Likely benign for TUBGCP2-related condition. Last evaluated: 2022-12-20. Review status: no assertion criteria provided. Collection method: clinical testing. Allele origin: germline. Not counted in ClinVar's aggregate classification.
Comment: This variant is classified as likely benign based on ACMG/AMP sequence variant interpretation guidelines (Richards et al. 2015 PMID: 25741868, with internal and published modifications).

NM_006659.4(TUBGCP2):c.1017C>T (p.Ala339=)

Genes: TUBGCP2 (tubulin gamma complex component 2; minus strand), LOC126861106 (P300/CBP strongly-dependent group 1 enhancer GRCh37_chr10:135106330-135107529; plus strand). Cytogenetic location: 10q26.3.
Variant type: single nucleotide variant.
Coding change: c.1017C>T on transcript NM_006659.4 (MANE Select); coding-DNA position 1017, C replaced by T.
Protein change: p.Ala339=; no amino-acid change (alanine 339 retained).
Molecular consequence: synonymous variant. On other transcripts: non-coding transcript variant (1).
Genome position (GRCh38, 1-based): chr10:133,293,046, G>A on the plus strand (C>T on the coding strand, the complement: TUBGCP2 is on the minus strand). VCF-style: chr10-133293046-G-A. GRCh37 (hg19) VCF-style: chr10-135106550-G-A.
Other names: c.1101C>T, p.Ala367= (NM_001256617.2); c.627C>T, p.Ala209= (NM_001256618.2); c.1101C>T (NM_001256617.1).
Identifiers: ClinVar variation 1335056 (VCV001335056.36), dbSNP rs141042122, ClinGen allele CA5764307.